The following is an entry in ClinVar:

ClinVar aggregate classification (germline): Likely benign (1 of 4 stars; one submission).

Allele frequency attached by ClinVar (database versions not stated): 1000 Genomes Project 30x 0.00078; 1000 Genomes Project 0.00100; gnomAD exomes 0.00232; ExAC 0.00250; ESP Exome Variant Server 0.00261; gnomAD 0.00277.
gnomAD v4.1: 3,801 of 1,613,076 alleles (0.24%); highest among the groups gnomAD compares: Non-Finnish European, 0.24%; 13 homozygotes.

Submission:

CeGaT Center for Human Genetics Tuebingen
Classification: Likely benign. Last evaluated: 2023-01-01. Review status: criteria provided, single submitter. Criteria: CeGaT Center For Human Genetics Tuebingen Variant Classification Criteria Version 2. Collection method: clinical testing. Allele origin: germline. Affected: yes. Observed: 1 variant allele.
Comment: UBE4B: BS2

NM_001105562.3(UBE4B):c.435+11G>A

Gene: UBE4B (ubiquitination factor E4B; plus strand). Cytogenetic location: 1p36.22.
Variant type: single nucleotide variant.
Coding change: c.435+11G>A on transcript NM_001105562.3 (MANE Select); 11 bases into the intron after coding-DNA position 435, G replaced by A.
Molecular consequence: intron variant.
Genome position (GRCh38, 1-based): chr1:10,101,206, G>A. VCF-style: chr1-10101206-G-A. GRCh37 (hg19) VCF-style: chr1-10161264-G-A.
Other names: c.435+11G>A (NM_001410744.1, NM_006048.5).
Identifiers: ClinVar variation 2638194 (VCV002638194.24), dbSNP rs41280790, ClinGen allele CA579620.
Genomic context (GRCh38, chr1:10,101,206, plus strand): 5'-TGGAGGTTGATGAAAATGATCGAAGAGAAAAGCGGAGCCTCAGTGATAAGGTTGGTAAGC[G>A]ATGAAGCCCTTGGTACAGGTAATAGAAATAAACACATTTCATGTCTTGTATCTGTAGAGT-3'